The following is an entry in ClinVar:

ClinVar aggregate classification (germline): Uncertain significance (1 of 4 stars; one submission).

Conditions:
Myofibrillar myopathy 5. Also called: Filaminopathy (type); FILAMINOPATHY, AUTOSOMAL DOMINANT. Identifiers: Orphanet 171445, MedGen C1836050, MONDO:0012289, OMIM 609524.
Distal myopathy with posterior leg and anterior hand involvement. Also called: WILLIAMS DISTAL MYOPATHY. Identifiers: Orphanet 63273, MedGen C3279722, MONDO:0013550, OMIM 614065.
Hypertrophic cardiomyopathy 26. Also called: Cardiomyopathy, familial hypertrophic, 26. Identifiers: Orphanet 75249, MedGen C4310749, MONDO:0014883, OMIM 617047.

Submission:

Labcorp Genetics (formerly Invitae), Labcorp
Classification: Uncertain significance for Distal myopathy with posterior leg and anterior hand involvement; Myofibrillar myopathy 5; Hypertrophic cardiomyopathy 26. Last evaluated: 2023-05-15. Review status: criteria provided, single submitter. Criteria: Invitae Variant Classification Sherloc (09022015). Collection method: clinical testing. Allele origin: germline.
Comment: This variant is not present in population databases (gnomAD no frequency). In summary, the available evidence is currently insufficient to determine the role of this variant in disease. Therefore, it has been classified as a Variant of Uncertain Significance. Algorithms developed to predict the effect of sequence changes on RNA splicing suggest that this variant may disrupt the consensus splice site. ClinVar contains an entry for this variant (Variation ID: 2109170). This variant has not been reported in the literature in individuals affected with FLNC-related conditions. This sequence change affects codon 2063 of the FLNC mRNA. It is a 'silent' change, meaning that it does not change the encoded amino acid sequence of the FLNC protein.

NM_001458.5(FLNC):c.6189C>A (p.Ile2063=)

Genes: FLNC-AS1 (FLNC antisense RNA 1; minus strand), FLNC (filamin C; plus strand). Cytogenetic location: 7q32.1.
Variant type: single nucleotide variant.
Coding change: c.6189C>A on transcript NM_001458.5 (MANE Select); coding-DNA position 6189, C replaced by A.
Protein change: p.Ile2063=; no amino-acid change (isoleucine 2063 retained).
Molecular consequence: synonymous variant.
Genome position (GRCh38, 1-based): chr7:128,853,012, C>A. VCF-style: chr7-128853012-C-A. GRCh37 (hg19) VCF-style: chr7-128493066-C-A.
Other names: c.6090C>A, p.Ile2030= (NM_001127487.2).
Identifiers: ClinVar variation 2109170 (VCV002109170.4), dbSNP rs1408617446, ClinGen allele CA457849439.